The following is an entry in ClinVar:

NM_004606.5(TAF1):c.5436C>A (p.Asn1812Lys)

Gene: TAF1 (TATA-box binding protein associated factor 1; plus strand). Cytogenetic location: Xq13.1.
Variant type: single nucleotide variant.
Coding change: c.5436C>A on transcript NM_004606.5 (MANE Select); coding-DNA position 5436, C replaced by A.
Protein change: p.Asn1812Lys; replaces asparagine 1812 with lysine.
Molecular consequence: missense variant.
Genome position (GRCh38, 1-based): chrX:71,463,860, C>A. VCF-style: chrX-71463860-C-A. GRCh37 (hg19) VCF-style: chrX-70683710-C-A.
Other names: c.5442C>A, p.Asn1814Lys (NM_001286074.2); c.5373C>A, p.Asn1791Lys (NM_138923.4); short protein forms N1791K, N1812K, N1814K.
Identifiers: ClinVar variation 985361 (VCV000985361.5), dbSNP rs2038653435, ClinGen allele CA413531656.

ClinVar aggregate classification (germline): Conflicting classifications of pathogenicity. Review status: criteria provided, conflicting classifications (1 of 4 stars). 2 submissions from 2 submitters: Uncertain significance (1); Likely benign (1). Last evaluated 2025-01-12.

Conditions:
Inborn genetic diseases. Identifiers: MedGen C0950123, MeSH D030342.

Allele frequency attached by ClinVar (database versions not stated): gnomAD exomes below 0.00001; gnomAD 0.00001; TOPMed 0.00001.
gnomAD v4.1: 2 of 1,209,181 alleles (0.00017%); highest among the groups gnomAD compares: African/African-American, 0.0035%; no homozygotes.

Submissions (2):

Labcorp Genetics (formerly Invitae), Labcorp
Classification: Uncertain significance. Last evaluated: 2025-01-12. Review status: criteria provided, single submitter. Criteria: Invitae Variant Classification Sherloc (09022015). Collection method: clinical testing. Allele origin: germline.
Comment: This sequence change replaces asparagine, which is neutral and polar, with lysine, which is basic and polar, at codon 1832 of the TAF1 protein (p.Asn1832Lys). This variant is not present in population databases (gnomAD no frequency). This variant has not been reported in the literature in individuals affected with TAF1-related conditions. ClinVar contains an entry for this variant (Variation ID: 985361). An algorithm developed to predict the effect of missense changes on protein structure and function (PolyPhen-2) suggests that this variant is likely to be tolerated. In summary, the available evidence is currently insufficient to determine the role of this variant in disease. Therefore, it has been classified as a Variant of Uncertain Significance.

Ambry Genetics
Classification: Likely benign for Inborn genetic diseases. Last evaluated: 2024-01-19. Review status: criteria provided, single submitter. Criteria: Ambry Variant Classification Scheme 2023. Collection method: clinical testing. Allele origin: germline.